The following is an entry in ClinVar:

NM_138382.3(RIPPLY1):c.188C>A (p.Ser63Tyr)

Genes: CLDN2 (claudin 2; plus strand), RIPPLY1 (ripply transcriptional repressor 1; minus strand). Cytogenetic location: Xq22.3.
Variant type: single nucleotide variant.
Coding change: c.188C>A on transcript NM_138382.3 (MANE Select); coding-DNA position 188, C replaced by A.
Protein change: p.Ser63Tyr; replaces serine 63 with tyrosine.
Molecular consequence: missense variant. On other transcripts: intron variant (2).
Genome position (GRCh38, 1-based): chrX:106,902,183, G>T on the plus strand (C>A on the coding strand, the complement: RIPPLY1 is on the minus strand). VCF-style: chrX-106902183-G-T. GRCh37 (hg19) VCF-style: chrX-106145413-G-T.
Other names: c.155+950C>A (NM_001171706.2); c.-179+1679G>T (NM_001171092.1); short protein forms S63Y.
Identifiers: ClinVar variation 3045265 (VCV003045265.2), dbSNP rs560562511, ClinGen allele CA10483610.

ClinVar aggregate classification (germline): Likely benign (0 of 4 stars; one submission).

Conditions:
RIPPLY1-related disorder. Also called: RIPPLY1-related condition.

Allele frequency attached by ClinVar (database versions not stated): TOPMed 0.00006; ExAC 0.00047; 1000 Genomes Project 0.00079; 1000 Genomes Project 30x 0.00083; gnomAD 0.00010.

Submission:

PreventionGenetics, part of Exact Sciences
Classification: Likely benign for RIPPLY1-related condition. Last evaluated: 2023-04-11. Review status: no assertion criteria provided. Collection method: clinical testing. Allele origin: germline.
Comment: This variant is classified as likely benign based on ACMG/AMP sequence variant interpretation guidelines (Richards et al. 2015 PMID: 25741868, with internal and published modifications).